The following is an entry in ClinVar:

ClinVar aggregate classification (germline): Uncertain significance (1 of 4 stars; one submission).

Allele frequency attached by ClinVar (database versions not stated): gnomAD exomes below 0.00001.
gnomAD v4.1: 2 of 1,539,566 alleles (0.00013%); highest among the groups gnomAD compares: Admixed American, 0.0017%; no homozygotes.

Submission:

Labcorp Genetics (formerly Invitae), Labcorp
Classification: Uncertain significance. Last evaluated: 2022-07-22. Review status: criteria provided, single submitter. Criteria: Invitae Variant Classification Sherloc (09022015). Collection method: clinical testing. Allele origin: germline.
Comment: This variant has not been reported in the literature in individuals affected with PCDH15-related conditions. In summary, the available evidence is currently insufficient to determine the role of this variant in disease. Therefore, it has been classified as a Variant of Uncertain Significance. Algorithms developed to predict the effect of missense changes on protein structure and function are either unavailable or do not agree on the potential impact of this missense change (SIFT: "Tolerated"; PolyPhen-2: "Possibly Damaging"; Align-GVGD: "Class C0"). ClinVar contains an entry for this variant (Variation ID: 1386170). This variant is not present in population databases (gnomAD no frequency). This sequence change replaces threonine, which is neutral and polar, with isoleucine, which is neutral and non-polar, at codon 199 of the PCDH15 protein (p.Thr199Ile).

NM_001384140.1(PCDH15):c.596C>T (p.Thr199Ile)

Gene: PCDH15 (protocadherin related 15; minus strand). Cytogenetic location: 10q21.1.
Variant type: single nucleotide variant.
Coding change: c.596C>T on transcript NM_001384140.1 (MANE Select); coding-DNA position 596, C replaced by T.
Protein change: p.Thr199Ile; replaces threonine 199 with isoleucine.
Molecular consequence: missense variant. On other transcripts: intron variant (1).
Genome position (GRCh38, 1-based): chr10:54,329,705, G>A on the plus strand (C>T on the coding strand, the complement: PCDH15 is on the minus strand). VCF-style: chr10-54329705-G-A. GRCh37 (hg19) VCF-style: chr10-56089465-G-A.
Other names: c.611C>T, p.Thr204Ile (NM_001142763.2, NM_001142769.4, NM_001142771.2); c.596C>T, p.Thr199Ile (NM_001142764.2, NM_001142765.2, NM_001142766.2 and 7 more transcripts); c.530C>T, p.Thr177Ile (NM_001142768.2, NM_001142773.2, NM_001354404.2); c.595-12264C>T (NM_001142767.2); short protein forms T177I, T199I, T204I.
Identifiers: ClinVar variation 1386170 (VCV001386170.6), dbSNP rs2133884443, ClinGen allele CA376541349.